The following is an entry in ClinVar:

NM_000823.4(GHRHR):c.507C>G (p.Phe169Leu)

Gene: GHRHR (growth hormone releasing hormone receptor; plus strand). Cytogenetic location: 7p14.3.
Variant type: single nucleotide variant.
Coding change: c.507C>G on transcript NM_000823.4 (MANE Select); coding-DNA position 507, C replaced by G.
Protein change: p.Phe169Leu; replaces phenylalanine 169 with leucine.
Molecular consequence: missense variant.
Genome position (GRCh38, 1-based): chr7:30,972,005, C>G. VCF-style: chr7-30972005-C-G. GRCh37 (hg19) VCF-style: chr7-31011620-C-G.
Other names: short protein forms F169L.
Identifiers: ClinVar variation 910806 (VCV000910806.10), dbSNP rs570281194, ClinGen allele CA4208552.
Genomic context (GRCh38, chr7:30,972,005, plus strand): 5'-TTCTCCCATTACCCCCAGGAGGCTCCACTGCCCCCGGAACTACGTCCACACCCAGCTGTT[C>G]ACCACTTTTATCCTCAAGGCGGGAGCTGTGTTCCTGAAGGATGCTGCCCTTTTCCACAGC-3'
Protein context (NP_000814.2, residues 159-179): CPRNYVHTQL[Phe169Leu]TTFILKAGAV

ClinVar aggregate classification (germline): Pathogenic/Likely pathogenic. Review status: criteria provided, multiple submitters, no conflicts (2 of 4 stars). 4 submissions from 4 submitters: Pathogenic (1); Likely pathogenic (3). Last evaluated 2026-04-15.

Conditions:
Isolated growth hormone deficiency, type 4. Also called: ISOLATED GROWTH HORMONE DEFICIENCY, TYPE IV; DWARFISM OF SINDH. Identifiers: Orphanet 684247, MedGen C4722273, MONDO:0032567, OMIM 618157.

Allele frequency attached by ClinVar (database versions not stated): 1000 Genomes Project 0.00080; TOPMed 0.00001; 1000 Genomes Project 30x 0.00062.
gnomAD v4.1: 135 of 1,613,960 alleles (0.0084%); highest among the groups gnomAD compares: South Asian, 0.14%; 1 homozygote.

Submissions (4):

Women's Health and Genetics/Laboratory Corporation of America, LabCorp
Classification: Likely pathogenic for Isolated growth hormone deficiency, type 4. Last evaluated: 2026-04-15. Review status: criteria provided, single submitter. Criteria: LabCorp Variant Classification Summary - May 2015. Collection method: clinical testing. Allele origin: germline.
Comment: Variant summary: GHRHR c.507C>G (p.Phe169Leu) results in a non-conservative amino acid change in the encoded protein sequence. Algorithms developed to predict the effect of missense changes on protein structure and function are either unavailable or do not agree on the potential impact of this missense change. The variant allele was found at a frequency of 0.00011 in 251470 control chromosomes (gnomAD). This frequency is not significantly higher than estimated for disease-causing variants in GHRHR, allowing no conclusion about variant significance. c.507C>G has been observed in individuals affected with Isolated growth hormone deficiency (Cohen_2019). These data indicate that the variant may be associated with disease. At least one publication reports experimental evidence evaluating an impact on protein function and this variant resulted in a partial but significant loss of function (Cohen_2019). The following publications have been ascertained in the context of this evaluation (PMID: 36960394, 31231873). ClinVar contains an entry for this variant (Variation ID: 910806). Based on the evidence outlined above, the variant was classified as likely pathogenic.

3billion
Classification: Pathogenic for Isolated growth hormone deficiency, type 4. Last evaluated: 2025-10-09. Review status: criteria provided, single submitter. Criteria: ACMG Guidelines, 2015. Collection method: clinical testing. Allele origin: germline. Affected: yes.
Comment: The variant is observed at an extremely low frequency in the gnomAD v4.1.0 dataset (total allele frequency: 0.008%). Predicted Consequence/Location: Missense variant Functional studies provide moderate evidence of the variant having a damaging effect on the gene or gene product (PMID: 31231873). In silico tool prediction suggests damaging effect of the variant on gene or gene product [3Cnet: 0.94 (> 0.75, sensitivity 0.96 and precision 0.92)]. The same nucleotide change resulting in the same amino acid change has been previously reported as pathogenic/likely pathogenic with strong evidence (ClinVar ID: VCV000910806 /PMID: 31231873). Therefore, this variant is classified as Pathogenic according to the recommendation of ACMG/AMP guideline.

Labcorp Genetics (formerly Invitae), Labcorp
Classification: Likely pathogenic. Last evaluated: 2025-05-18. Review status: criteria provided, single submitter. Criteria: Invitae Variant Classification Sherloc (09022015). Collection method: clinical testing. Allele origin: germline.
Comment: This sequence change replaces phenylalanine, which is neutral and non-polar, with leucine, which is neutral and non-polar, at codon 169 of the GHRHR protein (p.Phe169Leu). This variant is present in population databases (rs570281194, gnomAD 0.09%). This missense change has been observed in individual(s) with isolated growth hormone deficiency (PMID: 31231873). In at least one individual the data is consistent with being in trans (on the opposite chromosome) from a pathogenic variant. It has also been observed to segregate with disease in related individuals. ClinVar contains an entry for this variant (Variation ID: 910806). Invitae Evidence Modeling of protein sequence and biophysical properties (such as structural, functional, and spatial information, amino acid conservation, physicochemical variation, residue mobility, and thermodynamic stability) has been performed for this missense variant. However, the output from this modeling did not meet the statistical confidence thresholds required to predict the impact of this variant on GHRHR protein function. Experimental studies have shown that this missense change affects GHRHR function (PMID: 31231873). In summary, the currently available evidence indicates that the variant is pathogenic, but additional data are needed to prove that conclusively. Therefore, this variant has been classified as Likely Pathogenic.

Fulgent Genetics
Classification: Likely pathogenic for Isolated growth hormone deficiency, type 4. Last evaluated: 2024-02-02. Review status: criteria provided, single submitter. Criteria: ACMG Guidelines, 2015. Collection method: clinical testing. Allele origin: germline.

Literature cited by the submitters: PubMed 31231873 (cited by 3 submitters); PubMed 36960394 (cited by Women's Health and Genetics/Laboratory Corporation of America, LabCorp).